The following is an entry in ClinVar:

ClinVar aggregate classification (germline): Benign. Review status: criteria provided, multiple submitters, no conflicts (2 of 4 stars). 3 submissions from 3 submitters: Benign (2). 1 of the submissions does not count toward it. Last evaluated 2026-01-28.

Conditions:
LAMA3-related disorder. Also called: LAMA3-related condition; LAMA3-related disorders.

Allele frequency attached by ClinVar (database versions not stated): gnomAD exomes 0.00028 and 0.00082; ExAC 0.00107; gnomAD 0.00327 and 0.00351; TOPMed 0.00362; 1000 Genomes Project 0.00379; 1000 Genomes Project 30x 0.00390; ESP Exome Variant Server 0.00415.
gnomAD v4.1: 936 of 1,612,586 alleles (0.058%); highest among the groups gnomAD compares: African/African-American, 1.1%; 8 homozygotes.

Submissions (3):

Labcorp Genetics (formerly Invitae), Labcorp
Classification: Benign. Last evaluated: 2026-01-28. Review status: criteria provided, single submitter. Criteria: Invitae Variant Classification Sherloc (09022015). Collection method: clinical testing. Allele origin: germline.

Breakthrough Genomics
Classification: Benign. Review status: criteria provided, single submitter. Criteria: ACMG Guidelines, 2015. Collection method: not provided. Allele origin: germline. Inheritance: Autosomal recessive inheritance. Affected: yes.

PreventionGenetics, part of Exact Sciences
Classification: Likely benign for LAMA3-related condition. Last evaluated: 2019-03-25. Review status: no assertion criteria provided. Collection method: clinical testing. Allele origin: germline. Not counted in ClinVar's aggregate classification.
Comment: This variant is classified as likely benign based on ACMG/AMP sequence variant interpretation guidelines (Richards et al. 2015 PMID: 25741868, with internal and published modifications).

NM_198129.4(LAMA3):c.5012G>T (p.Gly1671Val)

Gene: LAMA3 (laminin subunit alpha 3; plus strand). Cytogenetic location: 18q11.2.
Variant type: single nucleotide variant.
Coding change: c.5012G>T on transcript NM_198129.4 (MANE Select); coding-DNA position 5012, G replaced by T.
Protein change: p.Gly1671Val; replaces glycine 1671 with valine.
Molecular consequence: missense variant.
Genome position (GRCh38, 1-based): chr18:23,876,307, G>T. VCF-style: chr18-23876307-G-T. GRCh37 (hg19) VCF-style: chr18-21456271-G-T.
Other names: c.185G>T, p.Gly62Val (NM_000227.6, NM_001127718.4); c.5012G>T, p.Gly1671Val (NM_001127717.4); short protein forms G1671V, G62V.
Identifiers: ClinVar variation 707965 (VCV000707965.14), dbSNP rs142097786, ClinGen allele CA8915863.